The following is an entry in ClinVar:

ClinVar aggregate classification (germline): Uncertain significance (1 of 4 stars; one submission).

Conditions:
Hereditary cancer-predisposing syndrome. Also called: Hereditary Cancer Syndrome; Hereditary neoplastic syndrome; Tumor predisposition; Neoplastic Syndromes, Hereditary. Identifiers: Orphanet 140162, MedGen C0027672, MeSH D009386, MONDO:0015356.

Submission:

Ambry Genetics
Classification: Uncertain significance for Hereditary cancer-predisposing syndrome. Last evaluated: 2021-07-09. Review status: criteria provided, single submitter. Criteria: Ambry Variant Classification Scheme 2023. Collection method: clinical testing. Allele origin: germline.
Comment: The c.2324_2325delACinsGA variant (also known as p.N775R), located in coding exon 14 of the PMS2 gene, results from an in-frame deletion of AC and insertion of GA at nucleotide positions 2324 to 2325. This results in the substitution of the asparagine residue for an arginine residue at codon 775, an amino acid with similar properties. This amino acid position is well conserved in available vertebrate species. In addition, the in silico prediction for this alteration is inconclusive (Choi Y et al. PLoS ONE. 2012; 7(10):e46688). Since supporting evidence is limited at this time, the clinical significance of this alteration remains unclear.

NM_000535.7(PMS2):c.2324_2325delinsGA (p.Asn775Arg)

Gene: PMS2 (PMS1 homolog 2, mismatch repair system component; minus strand). Cytogenetic location: 7p22.1.
Variant type: Indel.
Coding change: c.2324_2325delinsGA on transcript NM_000535.7 (MANE Select); coding-DNA positions 2324 to 2325, AC replaced by GA.
Protein change: p.Asn775Arg; replaces asparagine 775 with arginine.
Molecular consequence: missense variant. On other transcripts: non-coding transcript variant (1).
Genome position (GRCh38, 1-based): chr7:5,977,708-5,977,709, GT replaced by TC on the plus strand (AC replaced by GA on the coding strand, the reverse complement: PMS2 is on the minus strand). VCF-style: chr7-5977708-GT-TC. GRCh37 (hg19) VCF-style: chr7-6017339-GT-TC.
Other names: c.1919_1920delACinsGA, p.Asn640Arg (NM_001018040.1, NM_001406889.1, NM_001406890.1 and 9 more transcripts); c.1919_1920delinsGA, p.Asn640Arg (NM_001322003.2, NM_001322004.2, NM_001322005.2); c.2168_2169delinsGA, p.Asn723Arg (NM_001322006.2); c.2006_2007delinsGA, p.Asn669Arg (NM_001322007.2, NM_001322008.2); c.1952_1953delinsGA, p.Asn651Arg (NM_001322009.2); c.1763_1764delinsGA, p.Asn588Arg (NM_001322010.2); c.1391_1392delinsGA, p.Asn464Arg (NM_001322011.2, NM_001322012.2); c.1751_1752delinsGA, p.Asn584Arg (NM_001322013.2); and 26 more; short protein forms N374R, N464R, N536R, N613R, N651R, N663R, N669R, N734R.
Identifiers: ClinVar variation 1789618 (VCV001789618.2), dbSNP rs2535332616, ClinGen allele CA2580076804.